The following is an entry in ClinVar:

NM_032387.5(WNK4):c.1719C>T (p.His573=)

Gene: WNK4 (WNK lysine deficient protein kinase 4; plus strand). Cytogenetic location: 17q21.2.
Variant type: single nucleotide variant.
Coding change: c.1719C>T on transcript NM_032387.5 (MANE Select); coding-DNA position 1719, C replaced by T.
Protein change: p.His573=; no amino-acid change (histidine 573 retained).
Molecular consequence: synonymous variant.
Genome position (GRCh38, 1-based): chr17:42,787,520, C>T. VCF-style: chr17-42787520-C-T. GRCh37 (hg19) VCF-style: chr17-40939538-C-T.
Other names: p.His573=; c.711C>T, p.His237= (NM_001321299.2).
Identifiers: ClinVar variation 323326 (VCV000323326.16), dbSNP rs56243382, ClinGen allele CA8584061.

ClinVar aggregate classification (germline): Benign/Likely benign. Review status: criteria provided, multiple submitters, no conflicts (2 of 4 stars). 5 submissions from 5 submitters: Benign (4); Likely benign (1). Last evaluated 2026-01-19.

Conditions:
Pseudohypoaldosteronism type 2B (PHA2B). Also called: Pseudohypoaldosteronism Type IIB. Identifiers: Orphanet 757, Orphanet 88939, MedGen C1840390, MONDO:0013777, OMIM 614491.

Allele frequency attached by ClinVar (database versions not stated): gnomAD exomes 0.00118 and 0.00294; ExAC 0.00371; gnomAD 0.01079 and 0.01157; 1000 Genomes Project 0.01138; 1000 Genomes Project 30x 0.01187; TOPMed 0.01271; ESP Exome Variant Server 0.01315.
gnomAD v4.1: 3,468 of 1,612,948 alleles (0.22%); highest among the groups gnomAD compares: African/African-American, 3.8%; 52 homozygotes.

Submissions (5):

Labcorp Genetics (formerly Invitae), Labcorp
Classification: Benign. Last evaluated: 2026-01-19. Review status: criteria provided, single submitter. Criteria: Invitae Variant Classification Sherloc (09022015). Collection method: clinical testing. Allele origin: germline.

Mayo Clinic Laboratories, Mayo Clinic
Classification: Benign. Last evaluated: 2024-09-12. Review status: criteria provided, single submitter. Criteria: ACMG Guidelines, 2015. Collection method: clinical testing. Allele origin: germline. Observed: 4 variant alleles.
Comment: BS1, BS2, BP4, BP7

Fulgent Genetics
Classification: Likely benign for Pseudohypoaldosteronism type 2B. Last evaluated: 2021-07-17. Review status: criteria provided, single submitter. Criteria: ACMG Guidelines, 2015. Collection method: clinical testing. Allele origin: unknown.

Illumina Laboratory Services, Illumina
Classification: Benign for Pseudohypoaldosteronism type 2B. Last evaluated: 2018-01-13. Review status: criteria provided, single submitter. Criteria: ICSL Variant Classification Criteria 13 December 2019. Collection method: clinical testing. Allele origin: germline.
Comment: This variant was observed in the ICSL laboratory as part of a predisposition screen in an ostensibly healthy population. It had not been previously curated by ICSL or reported in the Human Gene Mutation Database (HGMD: prior to June 1st, 2018), and was therefore a candidate for classification through an automated scoring system. Utilizing variant allele frequency, disease prevalence and penetrance estimates, and inheritance mode, an automated score was calculated to assess if this variant is too frequent to cause the disease. Based on the score and internal cut-off values, a variant classified as benign is not then subjected to further curation. The score for this variant resulted in a classification of benign for this disease.

Breakthrough Genomics
Classification: Benign. Review status: criteria provided, single submitter. Criteria: ACMG Guidelines, 2015. Collection method: not provided. Allele origin: germline. Inheritance: Autosomal dominant inheritance. Affected: yes.